The following is an entry in ClinVar:

ClinVar aggregate classification (germline): Uncertain significance (1 of 4 stars; one submission).

gnomAD v4.1: 1 of 1,614,254 alleles (0.000062%); highest among the groups gnomAD compares: East Asian, 0.0022%; no homozygotes.

Submission:

GeneDx
Classification: Uncertain significance. Last evaluated: 2025-04-02. Review status: criteria provided, single submitter. Criteria: GeneDx Variant Classification Process June 2021. Collection method: clinical testing. Allele origin: germline. Affected: yes.
Comment: Not observed at significant frequency in large population cohorts (gnomAD); In silico analysis indicates that this missense variant does not alter protein structure/function; Has not been previously published as pathogenic or benign to our knowledge

NM_000884.3(IMPDH2):c.722A>G (p.Lys241Arg)

Gene: IMPDH2 (inosine monophosphate dehydrogenase 2; minus strand). Cytogenetic location: 3p21.31.
Variant type: single nucleotide variant.
Coding change: c.722A>G on transcript NM_000884.3 (MANE Select); coding-DNA position 722, A replaced by G.
Protein change: p.Lys241Arg; replaces lysine 241 with arginine.
Molecular consequence: missense variant.
Genome position (GRCh38, 1-based): chr3:49,026,784, T>C on the plus strand (A>G on the coding strand, the complement: IMPDH2 is on the minus strand). VCF-style: chr3-49026784-T-C. GRCh37 (hg19) VCF-style: chr3-49064217-T-C.
Other names: c.722A>G, p.Lys241Arg (NM_001410759.1); c.647A>G, p.Lys216Arg (NM_001410760.1, NM_001410761.1); short protein forms K216R, K241R.
Identifiers: ClinVar variation 4278747 (VCV004278747.1).